The following is an entry in ClinVar:

NM_015570.4(AUTS2):c.3277_3278delinsTCTCTGCCCAG (p.Asp1093delinsSerLeuProSer)

Gene: AUTS2 (activator of transcription and developmental regulator AUTS2; plus strand). Cytogenetic location: 7q11.22.
Variant type: Indel.
Coding change: c.3277_3278delinsTCTCTGCCCAG on transcript NM_015570.4 (MANE Select); coding-DNA positions 3277 to 3278, GA replaced by TCTCTGCCCAG.
Protein change: p.Asp1093delinsSerLeuProSer.
Molecular consequence: inframe indel.
Genome position (GRCh38, 1-based): chr7:70,790,493-70,790,494, GA replaced by TCTCTGCCCAG. VCF-style: chr7-70790493-GA-TCTCTGCCCAG. GRCh37 (hg19) VCF-style: chr7-70255479-GA-TCTCTGCCCAG.
Other names: c.3277_3278delGAinsTCTCTGCCCAG (NM_015570.2); c.3205_3206delinsTCTCTGCCCAG, p.Asp1069delinsSerLeuProSer (NM_001127231.3).
Identifiers: ClinVar variation 504344 (VCV000504344.3), dbSNP rs1554489138, ClinGen allele CA658796939.

ClinVar aggregate classification (germline): Uncertain significance (1 of 4 stars; one submission).

Submission:

GeneDx
Classification: Uncertain significance. Last evaluated: 2021-08-27. Review status: criteria provided, single submitter. Criteria: GeneDx Variant Classification Process June 2021. Collection method: clinical testing. Allele origin: germline. Affected: yes.
Comment: Not observed at significant frequency in large population cohorts (Lek et al., 2016); In-frame deletion of 1 amino acid and insertion of 4 amino acids in a non-repeat region; In silico analysis supports a deleterious effect on protein structure/function; Has not been previously published as pathogenic or benign to our knowledge